The following is an entry in ClinVar:

ClinVar aggregate classification (germline): Likely benign. Review status: criteria provided, multiple submitters, no conflicts (2 of 4 stars). 2 submissions from 2 submitters: Likely benign (2). Last evaluated 2026-03-01.

gnomAD v4.1: 310 of 1,536,980 alleles (0.02%); highest among the groups gnomAD compares: South Asian, 0.35%; 5 homozygotes.

Submissions (2):

CeGaT Center for Human Genetics Tuebingen
Classification: Likely benign. Last evaluated: 2026-03-01. Review status: criteria provided, single submitter. Criteria: CeGaT Center For Human Genetics Tuebingen Variant Classification Criteria Version 2. Collection method: clinical testing. Allele origin: germline. Affected: yes. Observed: 1 variant allele.
Comment: KIF26A: BP4, BP7

Blueprint Genetics
Classification: Likely benign. Last evaluated: 2024-05-27. Review status: criteria provided, single submitter. Criteria: ACMG Guidelines, 2015. Collection method: clinical testing. Allele origin: germline.

NM_015656.2(KIF26A):c.4746G>C (p.Ser1582=)

Gene: KIF26A (kinesin family member 26A; plus strand). Cytogenetic location: 14q32.33.
Variant type: single nucleotide variant.
Coding change: c.4746G>C on transcript NM_015656.2 (MANE Select); coding-DNA position 4746, G replaced by C.
Protein change: p.Ser1582=; no amino-acid change (serine 1582 retained).
Molecular consequence: synonymous variant.
Genome position (GRCh38, 1-based): chr14:104,177,534, G>C. VCF-style: chr14-104177534-G-C. GRCh37 (hg19) VCF-style: chr14-104643871-G-C.
Identifiers: ClinVar variation 4822096 (VCV004822096.5).